The following is an entry in ClinVar:

ClinVar aggregate classification (germline): Uncertain significance. Review status: criteria provided, multiple submitters, no conflicts (2 of 4 stars). 3 submissions from 3 submitters: Uncertain significance (3). Last evaluated 2025-03-09.

Conditions:
Cardiovascular phenotype. Identifiers: MedGen CN230736.
Ehlers-Danlos syndrome, kyphoscoliotic type, 2. Also called: Ehlers-Danlos syndrome, kyphoscoliotic and deafness type; FKBP14-Kyphoscoliotic Ehlers-Danlos Syndrome; Ehlers-Danlos syndrome with progressive kyphoscoliosis, myopathy, and hearing loss. Identifiers: Orphanet 300179, MedGen C3281160, MONDO:0013800, OMIM 614557.

Allele frequency attached by ClinVar (database versions not stated): ExAC 0.00001; gnomAD 0.00001; gnomAD exomes 0.00001.
gnomAD v4.1: 18 of 1,610,932 alleles (0.0011%); highest among the groups gnomAD compares: Middle Eastern, 0.033%; 1 homozygote.

Submissions (3):

Ambry Genetics
Classification: Uncertain significance for Cardiovascular phenotype. Last evaluated: 2025-03-09. Review status: criteria provided, single submitter. Criteria: Ambry Variant Classification Scheme 2023. Collection method: clinical testing. Allele origin: germline.
Comment: The p.G197R variant (also known as c.589G>A), located in coding exon 4 of the FKBP14 gene, results from a G to A substitution at nucleotide position 589. The glycine at codon 197 is replaced by arginine, an amino acid with dissimilar properties. This amino acid position is conserved. In addition, this alteration is predicted to be deleterious by in silico analysis. Since supporting evidence is limited at this time, the clinical significance of this alteration remains unclear.

Revvity Omics, Revvity
Classification: Uncertain significance for Ehlers-Danlos syndrome, kyphoscoliotic type, 2. Last evaluated: 2023-12-17. Review status: criteria provided, single submitter. Criteria: ACMG Guidelines, 2015. Collection method: clinical testing. Allele origin: germline.

Labcorp Genetics (formerly Invitae), Labcorp
Classification: Uncertain significance for Ehlers-Danlos syndrome, kyphoscoliotic type, 2. Last evaluated: 2022-05-07. Review status: criteria provided, single submitter. Criteria: Invitae Variant Classification Sherloc (09022015). Collection method: clinical testing. Allele origin: germline.
Comment: In summary, the available evidence is currently insufficient to determine the role of this variant in disease. Therefore, it has been classified as a Variant of Uncertain Significance. Algorithms developed to predict the effect of sequence changes on RNA splicing suggest that this variant may create or strengthen a splice site. Algorithms developed to predict the effect of missense changes on protein structure and function are either unavailable or do not agree on the potential impact of this missense change (SIFT: "Deleterious"; PolyPhen-2: "Probably Damaging"; Align-GVGD: "Class C15"). This variant has not been reported in the literature in individuals affected with FKBP14-related conditions. This variant is present in population databases (rs748942204, gnomAD 0.003%), including at least one homozygous and/or hemizygous individual. This sequence change replaces glycine, which is neutral and non-polar, with arginine, which is basic and polar, at codon 197 of the FKBP14 protein (p.Gly197Arg).

NM_017946.4(FKBP14):c.589G>A (p.Gly197Arg)

Genes: FKBP14 (FKBP prolyl isomerase 14; minus strand), FKBP14-AS1 (FKBP14 antisense RNA 1; plus strand). Cytogenetic location: 7p14.3.
Variant type: single nucleotide variant.
Coding change: c.589G>A on transcript NM_017946.4 (MANE Select); coding-DNA position 589, G replaced by A.
Protein change: p.Gly197Arg; replaces glycine 197 with arginine.
Molecular consequence: missense variant. On other transcripts: non-coding transcript variant (2).
Genome position (GRCh38, 1-based): chr7:30,014,782, C>T on the plus strand (G>A on the coding strand, the complement: FKBP14 is on the minus strand). VCF-style: chr7-30014782-C-T. GRCh37 (hg19) VCF-style: chr7-30054398-C-T.
Other names: c.589G>A (NM_017946.2); short protein forms G197R.
Identifiers: ClinVar variation 2066341 (VCV002066341.7), dbSNP rs748942204, ClinGen allele CA4203370.
Genomic context (GRCh38, chr7:30,014,782, plus strand): 5'-GGTAGATGTATCTCTATAACTCATCGTGTTTATATGTAAATTCTCTGGCAGATATAAACC[C>T]ATCTTTGTCTTCATCTTCTTTATCAAAAATATCCTCCACCAAAGCATCATGATGACTTTC-3'
Protein context (NP_060416.1, residues 187-207): IFDKEDEDKD[Gly197Arg]FISAREFTYK